The following is an entry in ClinVar:

NM_020832.3(ZNF687):c.3239G>A (p.Arg1080His)

Gene: ZNF687 (zinc finger protein 687; plus strand). Cytogenetic location: 1q21.3.
Variant type: single nucleotide variant.
Coding change: c.3239G>A on transcript NM_020832.3 (MANE Select); coding-DNA position 3239, G replaced by A.
Protein change: p.Arg1080His; replaces arginine 1080 with histidine.
Molecular consequence: missense variant.
Genome position (GRCh38, 1-based): chr1:151,290,734, G>A. VCF-style: chr1-151290734-G-A. GRCh37 (hg19) VCF-style: chr1-151263210-G-A.
Other names: c.3239G>A, p.Arg1080His (NM_001304763.2, NM_001304764.2); short protein forms R1080H.
Identifiers: ClinVar variation 3606617 (VCV003606617.2).
Genomic context (GRCh38, chr1:151,290,734, plus strand): 5'-AGGGGTGGTGGTAAGGCCCAGTTTCTTCCACTTTTCTTCAGGGGCCAGGTCGGAAACGCC[G>A]CCAGTCTTCTGACTCTTGCAGTGAGGAGCCTGACAGCACGACACCGCCAGCCAAGTCCCC-3'
Protein context (NP_065883.1, residues 1070-1090): ARAQGPGRKR[Arg1080His]QSSDSCSEEP

ClinVar aggregate classification (germline): Uncertain significance (1 of 4 stars; one submission).

gnomAD v4.1: 38 of 1,605,602 alleles (0.0024%); highest among the groups gnomAD compares: Middle Eastern, 0.017%; no homozygotes.

Submission:

Labcorp Genetics (formerly Invitae), Labcorp
Classification: Uncertain significance. Last evaluated: 2024-06-16. Review status: criteria provided, single submitter. Criteria: Invitae Variant Classification Sherloc (09022015). Collection method: clinical testing. Allele origin: germline.
Comment: This sequence change replaces arginine, which is basic and polar, with histidine, which is basic and polar, at codon 1080 of the ZNF687 protein (p.Arg1080His). This variant is present in population databases (rs746793857, gnomAD 0.02%). This variant has not been reported in the literature in individuals affected with ZNF687-related conditions. An algorithm developed to predict the effect of missense changes on protein structure and function (PolyPhen-2) suggests that this variant is likely to be tolerated. In summary, the available evidence is currently insufficient to determine the role of this variant in disease. Therefore, it has been classified as a Variant of Uncertain Significance.